The following is an entry in ClinVar:

ClinVar aggregate classification (germline): Likely benign (1 of 4 stars; one submission).

Conditions:
COL5A2-related disorder. Also called: COL5A2-related condition.

Submission:

PreventionGenetics, part of Exact Sciences
Classification: Likely benign for COL5A2-related condition. Last evaluated: 2026-07-07. Review status: criteria provided, single submitter. Criteria: ACMG Guidelines, 2015. Collection method: clinical testing. Allele origin: germline.
Comment: This variant is classified as likely benign based on ACMG/AMP sequence variant interpretation guidelines (Richards et al. 2015 PMID: 25741868, with internal and published modifications).

NM_000393.5(COL5A2):c.135C>A (p.Gly45=)

Gene: COL5A2 (collagen type V alpha 2 chain; minus strand). Cytogenetic location: 2q32.2.
Variant type: single nucleotide variant.
Coding change: c.135C>A on transcript NM_000393.5 (MANE Select); coding-DNA position 135, C replaced by A.
Protein change: p.Gly45=; no amino-acid change (glycine 45 retained).
Molecular consequence: synonymous variant.
Genome position (GRCh38, 1-based): chr2:189,110,412, G>T on the plus strand (C>A on the coding strand, the complement: COL5A2 is on the minus strand). VCF-style: chr2-189110412-G-T. GRCh37 (hg19) VCF-style: chr2-189975138-G-T.
Identifiers: ClinVar variation 4993748 (VCV004993748.1).